The following is an entry in ClinVar:

ClinVar aggregate classification (germline): Uncertain significance. Review status: criteria provided, multiple submitters, no conflicts (2 of 4 stars). 2 submissions from 2 submitters: Uncertain significance (2). Last evaluated 2024-08-02.

Conditions:
Inborn genetic diseases. Identifiers: MedGen C0950123, MeSH D030342.

Allele frequency attached by ClinVar (database versions not stated): gnomAD 0.00001; gnomAD exomes 0.00001; ExAC 0.00006.
gnomAD v4.1: 21 of 1,598,380 alleles (0.0013%); highest among the groups gnomAD compares: South Asian, 0.022%; no homozygotes.

Submissions (2):

GeneDx
Classification: Uncertain significance. Last evaluated: 2024-08-02. Review status: criteria provided, single submitter. Criteria: GeneDx Variant Classification Process June 2021. Collection method: clinical testing. Allele origin: germline. Affected: yes.
Comment: In silico analysis indicates that this missense variant does not alter protein structure/function; Has not been previously published as pathogenic or benign to our knowledge

Ambry Genetics
Classification: Uncertain significance for Inborn genetic diseases. Last evaluated: 2022-06-10. Review status: criteria provided, single submitter. Criteria: Ambry Variant Classification Scheme 2023. Collection method: clinical testing. Allele origin: germline.

NM_001378609.3(OTOGL):c.442A>G (p.Ile148Val)

Gene: OTOGL (otogelin like; plus strand). Cytogenetic location: 12q21.31.
Variant type: single nucleotide variant.
Coding change: c.442A>G on transcript NM_001378609.3 (MANE Select); coding-DNA position 442, A replaced by G.
Protein change: p.Ile148Val; replaces isoleucine 148 with valine.
Molecular consequence: missense variant.
Genome position (GRCh38, 1-based): chr12:80,222,198, A>G. VCF-style: chr12-80222198-A-G. GRCh37 (hg19) VCF-style: chr12-80615978-A-G.
Other names: c.442A>G, p.Ile148Val (NM_001368062.3, NM_001378610.3, NM_173591.7); short protein forms I148V.
Identifiers: ClinVar variation 2295317 (VCV002295317.3), dbSNP rs767339665, ClinGen allele CA6700165.